The following is an entry in ClinVar:

NM_005876.5(SPEG):c.6085G>A (p.Gly2029Ser)

Genes: ASIC4-AS1 (ASIC4 antisense RNA 1; minus strand), SPEG (striated muscle enriched protein kinase; plus strand). Cytogenetic location: 2q35.
Variant type: single nucleotide variant.
Coding change: c.6085G>A on transcript NM_005876.5 (MANE Select); coding-DNA position 6085, G replaced by A.
Protein change: p.Gly2029Ser; replaces glycine 2029 with serine.
Molecular consequence: missense variant.
Genome position (GRCh38, 1-based): chr2:219,483,548, G>A. VCF-style: chr2-219483548-G-A. GRCh37 (hg19) VCF-style: chr2-220348270-G-A.
Other names: short protein forms G2029S.
Identifiers: ClinVar variation 1721746 (VCV001721746.5), dbSNP rs2545928141, ClinGen allele CA350696464.
Genomic context (GRCh38, chr2:219,483,548, plus strand): 5'-GAGCTCCGCAGGGGCAGCTCGGCTGAGAGCGCCCTGCCCCGGGCCGGGCCGCGGGAGCTG[G>A]GCCGGGGCCTGCACAAGGCGGCGTCTGTGGAGCTGCCGCAGCGCCGGAGCCCCAGCCCGG-3'
Protein context (NP_005867.3, residues 2019-2039): ALPRAGPREL[Gly2029Ser]RGLHKAASVE

ClinVar aggregate classification (germline): Uncertain significance (1 of 4 stars; one submission).

Submission:

Labcorp Genetics (formerly Invitae), Labcorp
Classification: Uncertain significance. Last evaluated: 2022-07-21. Review status: criteria provided, single submitter. Criteria: Invitae Variant Classification Sherloc (09022015). Collection method: clinical testing. Allele origin: germline.
Comment: In summary, the available evidence is currently insufficient to determine the role of this variant in disease. Therefore, it has been classified as a Variant of Uncertain Significance. Algorithms developed to predict the effect of missense changes on protein structure and function are either unavailable or do not agree on the potential impact of this missense change (SIFT: "Deleterious"; PolyPhen-2: "Possibly Damaging"; Align-GVGD: "Class C0"). This variant has not been reported in the literature in individuals affected with SPEG-related conditions. This variant is not present in population databases (gnomAD no frequency). This sequence change replaces glycine, which is neutral and non-polar, with serine, which is neutral and polar, at codon 2029 of the SPEG protein (p.Gly2029Ser).